The following is an entry in ClinVar:

ClinVar aggregate classification (germline): Likely benign. Review status: criteria provided, single submitter (1 of 4 stars). 2 submissions from 2 submitters: Likely benign (1). 1 of the submissions does not count toward it. Last evaluated 2025-07-20.

Conditions:
DYNC2I1-related disorder. Also called: DYNC2I1-related condition.
Short-rib thoracic dysplasia 8 with or without polydactyly (SRTD8). Also called: SHORT-RIB THORACIC DYSPLASIA 8 WITH POLYDACTYLY. Identifiers: Orphanet 93271, MedGen C3809691, MONDO:0014214, OMIM 615503.

Allele frequency attached by ClinVar (database versions not stated): gnomAD 0.00001; TOPMed 0.00001; ExAC 0.00002; gnomAD exomes 0.00003.
gnomAD v4.1: 44 of 1,613,190 alleles (0.0027%); highest among the groups gnomAD compares: Non-Finnish European, 0.0033%; no homozygotes.

Submissions (2):

Labcorp Genetics (formerly Invitae), Labcorp
Classification: Likely benign for Short-rib thoracic dysplasia 8 with or without polydactyly. Last evaluated: 2025-07-20. Review status: criteria provided, single submitter. Criteria: Invitae Variant Classification Sherloc (09022015). Collection method: clinical testing. Allele origin: germline.

PreventionGenetics, part of Exact Sciences
Classification: Likely benign for DYNC2I1-related condition. Last evaluated: 2024-06-10. Review status: no assertion criteria provided. Collection method: clinical testing. Allele origin: germline. Not counted in ClinVar's aggregate classification.
Comment: This variant is classified as likely benign based on ACMG/AMP sequence variant interpretation guidelines (Richards et al. 2015 PMID: 25741868, with internal and published modifications).

NM_018051.5(DYNC2I1):c.2388C>A (p.Ser796=)

Gene: DYNC2I1 (dynein 2 intermediate chain 1; plus strand). Cytogenetic location: 7q36.3.
Variant type: single nucleotide variant.
Coding change: c.2388C>A on transcript NM_018051.5 (MANE Select); coding-DNA position 2388, C replaced by A.
Protein change: p.Ser796=; no amino-acid change (serine 796 retained).
Molecular consequence: synonymous variant.
Genome position (GRCh38, 1-based): chr7:158,926,418, C>A. VCF-style: chr7-158926418-C-A. GRCh37 (hg19) VCF-style: chr7-158719109-C-A.
Other names: c.2250C>A, p.Ser750= (NM_001350914.2); c.1815C>A, p.Ser605= (NM_001350915.2); c.927C>A, p.Ser309= (NM_001350916.2); c.1140C>A, p.Ser380= (NM_001350917.2, NM_001350918.2); c.2388C>A (NM_018051.4).
Identifiers: ClinVar variation 1680712 (VCV001680712.9), dbSNP rs758510154, ClinGen allele CA4594982.